The following is an entry in ClinVar:

NM_000179.3(MSH6):c.274C>T (p.Pro92Ser)

Gene: MSH6 (mutS homolog 6; plus strand). Cytogenetic location: 2p16.3.
Variant type: single nucleotide variant.
Coding change: c.274C>T on transcript NM_000179.3 (MANE Select); coding-DNA position 274, C replaced by T.
Protein change: p.Pro92Ser; replaces proline 92 with serine.
Molecular consequence: missense variant. On other transcripts: 5 prime UTR variant (2), intron variant (1).
Genome position (GRCh38, 1-based): chr2:47,790,940, C>T. VCF-style: chr2-47790940-C-T. GRCh37 (hg19) VCF-style: chr2-48018079-C-T.
Other names: c.-463C>T (NM_001281493.2); c.-629C>T (NM_001281494.2); c.237+7470C>T (NM_001281492.2); short protein forms P92S.
Identifiers: ClinVar variation 1493987 (VCV001493987.8), dbSNP rs2104099000, ClinGen allele CA346736514.
Genomic context (GRCh38, chr2:47,790,940, plus strand): 5'-AACTTGACCAAATATTAACTAAGTTATGTATTTCCTTTTGGCAACAGTTGTGACTTCTCA[C>T]CAGGAGATTTGGTTTGGGCCAAGATGGAGGGTTACCCCTGGTGGCCTTGTCTGGTTTACA-3'
Protein context (NP_000170.1, residues 82-102): PAAPTSCDFS[Pro92Ser]GDLVWAKMEG

ClinVar aggregate classification (germline): Uncertain significance (1 of 4 stars; one submission).

Conditions:
Hereditary nonpolyposis colorectal neoplasms. Identifiers: MedGen C0009405, MeSH D003123.

Submission:

Labcorp Genetics (formerly Invitae), Labcorp
Classification: Uncertain significance for Hereditary nonpolyposis colorectal neoplasms. Last evaluated: 2021-04-28. Review status: criteria provided, single submitter. Criteria: Invitae Variant Classification Sherloc (09022015). Collection method: clinical testing. Allele origin: germline.
Comment: This sequence change replaces proline with serine at codon 92 of the MSH6 protein (p.Pro92Ser). The proline residue is moderately conserved and there is a moderate physicochemical difference between proline and serine. This variant is not present in population databases (ExAC no frequency). This variant has not been reported in the literature in individuals with MSH6-related conditions. Algorithms developed to predict the effect of missense changes on protein structure and function are either unavailable or do not agree on the potential impact of this missense change (SIFT: "Tolerated"; PolyPhen-2: "Probably Damaging"; Align-GVGD: "Class C0"). In summary, the available evidence is currently insufficient to determine the role of this variant in disease. Therefore, it has been classified as a Variant of Uncertain Significance.